The following is an entry in ClinVar:

ClinVar aggregate classification (germline): Uncertain significance. Review status: criteria provided, multiple submitters, no conflicts (2 of 4 stars). 3 submissions from 3 submitters: Uncertain significance (3). Last evaluated 2025-03-20.

Conditions:
Inborn genetic diseases. Identifiers: MedGen C0950123, MeSH D030342.
Charcot-Marie-Tooth disease axonal type 2O. Also called: CHARCOT-MARIE-TOOTH NEUROPATHY, AXONAL, TYPE 2O; CHARCOT-MARIE-TOOTH DISEASE, AXONAL, AUTOSOMAL DOMINANT, TYPE 2O; Charcot-Marie-Tooth Neuropathy Type 2O; Charcot-Marie-Tooth disease, axonal, type 20. Identifiers: Orphanet 284232, MedGen C3280220, MONDO:0013644, OMIM 614228.

Submissions (3):

Labcorp Genetics (formerly Invitae), Labcorp
Classification: Uncertain significance for Charcot-Marie-Tooth disease axonal type 2O. Last evaluated: 2025-03-20. Review status: criteria provided, single submitter. Criteria: Invitae Variant Classification Sherloc (09022015). Collection method: clinical testing. Allele origin: germline.
Comment: This sequence change replaces valine, which is neutral and non-polar, with leucine, which is neutral and non-polar, at codon 4153 of the DYNC1H1 protein (p.Val4153Leu). This variant is not present in population databases (gnomAD no frequency). This variant has not been reported in the literature in individuals affected with DYNC1H1-related conditions. ClinVar contains an entry for this variant (Variation ID: 1472832). Invitae Evidence Modeling of protein sequence and biophysical properties (such as structural, functional, and spatial information, amino acid conservation, physicochemical variation, residue mobility, and thermodynamic stability) indicates that this missense variant is not expected to disrupt DYNC1H1 protein function with a negative predictive value of 95%. In summary, the available evidence is currently insufficient to determine the role of this variant in disease. Therefore, it has been classified as a Variant of Uncertain Significance.

GeneDx
Classification: Uncertain significance. Last evaluated: 2022-03-22. Review status: criteria provided, single submitter. Criteria: GeneDx Variant Classification Process June 2021. Collection method: clinical testing. Allele origin: germline. Affected: yes.
Comment: Not observed at significant frequency in large population cohorts (gnomAD); In silico analysis supports that this missense variant does not alter protein structure/function; Has not been previously published as pathogenic or benign to our knowledge; This variant is associated with the following publications: (PMID: 25512093, 25609763, 26100331)

Ambry Genetics
Classification: Uncertain significance for Inborn genetic diseases. Last evaluated: 2020-03-20. Review status: criteria provided, single submitter. Criteria: Ambry Variant Classification Scheme 2023. Collection method: clinical testing. Allele origin: germline.
Comment: The p.V4153L variant (also known as c.12457G>T), located in coding exon 69 of the DYNC1H1 gene, results from a G to T substitution at nucleotide position 12457. The valine at codon 4153 is replaced by leucine, an amino acid with highly similar properties. This amino acid position is well conserved in available vertebrate species. In addition, this alteration is predicted to be tolerated by in silico analysis. Since supporting evidence is limited at this time, the clinical significance of this alteration remains unclear.

NM_001376.5(DYNC1H1):c.12457G>T (p.Val4153Leu)

Gene: DYNC1H1 (dynein cytoplasmic 1 heavy chain 1; plus strand). Cytogenetic location: 14q32.31.
Variant type: single nucleotide variant.
Coding change: c.12457G>T on transcript NM_001376.5 (MANE Select); coding-DNA position 12457, G replaced by T.
Protein change: p.Val4153Leu; replaces valine 4153 with leucine.
Molecular consequence: missense variant.
Genome position (GRCh38, 1-based): chr14:102,042,692, G>T. VCF-style: chr14-102042692-G-T. GRCh37 (hg19) VCF-style: chr14-102509029-G-T.
Other names: short protein forms V4153L.
Identifiers: ClinVar variation 1472832 (VCV001472832.9), dbSNP rs2048667081, ClinGen allele CA391041519.